The following is an entry in ClinVar:

ClinVar aggregate classification (germline): Pathogenic (1 of 4 stars; one submission).

Conditions:
Nemaline myopathy 2 (NEM2). Also called: Nemaline myopathy 2, autosomal recessive. Identifiers: MedGen C1850569, MONDO:0009725, OMIM 256030.

Submission:

Labcorp Genetics (formerly Invitae), Labcorp
Classification: Pathogenic for Nemaline myopathy 2. Last evaluated: 2022-06-08. Review status: criteria provided, single submitter. Criteria: Invitae Variant Classification Sherloc (09022015). Collection method: clinical testing. Allele origin: germline.
Comment: For these reasons, this variant has been classified as Pathogenic. This variant has not been reported in the literature in individuals affected with NEB-related conditions. This variant is not present in population databases (gnomAD no frequency). This sequence change creates a premature translational stop signal (p.Arg5701Lysfs*6) in the NEB gene. It is expected to result in an absent or disrupted protein product. Loss-of-function variants in NEB are known to be pathogenic (PMID: 25205138).

Literature cited by the submitters: PubMed 25205138.

NM_001164508.2(NEB):c.17101dup (p.Arg5701fs)

Gene: NEB (nebulin; minus strand). Cytogenetic location: 2q23.3.
Variant type: Duplication.
Coding change: c.17101dup on transcript NM_001164508.2 (MANE Select); coding-DNA position 17101, one base duplicated (A; older notation c.17101dupA).
Protein change: p.Arg5701fs; shifts the reading frame from arginine 5701.
Molecular consequence: frameshift variant.
Genome position (GRCh38, 1-based): chr2:151,570,514, T duplicated on the plus strand (A on the coding strand, the reverse complement: NEB is on the minus strand). VCF-style (leftmost placement, unchanged base first): chr2-151570513-C-CT. GRCh37 (hg19) VCF-style: chr2-152427027-C-CT.
Other names: c.17101dup, p.Arg5701fs (NM_001164507.2, NM_001271208.2); c.11998dup, p.Arg4000fs (NM_004543.5); short protein forms R4000fs, R5701fs.
Identifiers: ClinVar variation 2003464 (VCV002003464.4), dbSNP rs2552196136, ClinGen allele CA2580063882.